The following is an entry in ClinVar:

ClinVar aggregate classification (germline): Uncertain significance. Review status: criteria provided, multiple submitters, no conflicts (2 of 4 stars). 3 submissions from 3 submitters: Uncertain significance (3). Last evaluated 2024-06-05.

Conditions:
Greenberg dysplasia (GRBGD). Also called: CHONDRODYSTROPHY, HYDROPIC AND PRENATALLY LETHAL TYPE; MOTH-EATEN SKELETAL DYSPLASIA; HEM SKELETAL DYSPLASIA. Identifiers: Orphanet 1426, MedGen C2931048, MONDO:0008974, OMIM 215140.
Inborn genetic diseases. Identifiers: MedGen C0950123, MeSH D030342.

Allele frequency attached by ClinVar (database versions not stated): gnomAD exomes below 0.00001.
gnomAD v4.1: 1 of 1,613,846 alleles (0.000062%); highest among the groups gnomAD compares: Admixed American, 0.0017%; no homozygotes.

Submissions (3):

Labcorp Genetics (formerly Invitae), Labcorp
Classification: Uncertain significance. Last evaluated: 2024-06-05. Review status: criteria provided, single submitter. Criteria: Invitae Variant Classification Sherloc (09022015). Collection method: clinical testing. Allele origin: germline.
Comment: This sequence change replaces isoleucine, which is neutral and non-polar, with valine, which is neutral and non-polar, at codon 610 of the LBR protein (p.Ile610Val). This variant is not present in population databases (gnomAD no frequency). This variant has not been reported in the literature in individuals affected with LBR-related conditions. ClinVar contains an entry for this variant (Variation ID: 295929). Advanced modeling of protein sequence and biophysical properties (such as structural, functional, and spatial information, amino acid conservation, physicochemical variation, residue mobility, and thermodynamic stability) performed at Invitae indicates that this missense variant is not expected to disrupt LBR protein function with a negative predictive value of 80%. In summary, the available evidence is currently insufficient to determine the role of this variant in disease. Therefore, it has been classified as a Variant of Uncertain Significance.

Ambry Genetics
Classification: Uncertain significance for Inborn genetic diseases. Last evaluated: 2024-04-24. Review status: criteria provided, single submitter. Criteria: Ambry Variant Classification Scheme 2023. Collection method: clinical testing. Allele origin: germline.

Illumina Laboratory Services, Illumina
Classification: Uncertain significance for Greenberg dysplasia. Last evaluated: 2018-01-12. Review status: criteria provided, single submitter. Criteria: ICSL Variant Classification Criteria 13 December 2019. Collection method: clinical testing. Allele origin: germline.

NM_002296.4(LBR):c.1828A>G (p.Ile610Val)

Gene: LBR (lamin B receptor; minus strand). Cytogenetic location: 1q42.12.
Variant type: single nucleotide variant.
Coding change: c.1828A>G on transcript NM_002296.4 (MANE Select); coding-DNA position 1828, A replaced by G.
Protein change: p.Ile610Val; replaces isoleucine 610 with valine.
Molecular consequence: missense variant.
Genome position (GRCh38, 1-based): chr1:225,403,323, T>C on the plus strand (A>G on the coding strand, the complement: LBR is on the minus strand). VCF-style: chr1-225403323-T-C. GRCh37 (hg19) VCF-style: chr1-225591025-T-C.
Other names: c.1828A>G, p.Ile610Val (NM_194442.3); short protein forms I610V.
Identifiers: ClinVar variation 295929 (VCV000295929.9), dbSNP rs886046051, ClinGen allele CA10609352.